The following is an entry in ClinVar:

NM_000038.6(APC):c.2140A>C (p.Lys714Gln)

Gene: APC (APC regulator of Wnt signaling pathway; plus strand). Cytogenetic location: 5q22.2.
Variant type: single nucleotide variant.
Coding change: c.2140A>C on transcript NM_000038.6 (MANE Select); coding-DNA position 2140, A replaced by C.
Protein change: p.Lys714Gln; replaces lysine 714 with glutamine.
Molecular consequence: missense variant. On other transcripts: non-coding transcript variant (2).
Genome position (GRCh38, 1-based): chr5:112,837,734, A>C. VCF-style: chr5-112837734-A-C. GRCh37 (hg19) VCF-style: chr5-112173431-A-C.
Other names: c.2140A>C, p.Lys714Gln (NM_001127510.3, NM_001354895.2, NM_001407450.1); c.2086A>C, p.Lys696Gln (NM_001127511.3); c.2194A>C, p.Lys732Gln (NM_001354896.2, NM_001407447.1, NM_001407448.1 and 1 more transcripts); c.2170A>C, p.Lys724Gln (NM_001354897.2); c.2065A>C, p.Lys689Gln (NM_001354898.2); c.2056A>C, p.Lys686Gln (NM_001354899.2); c.2017A>C, p.Lys673Gln (NM_001354900.2); c.1963A>C, p.Lys655Gln (NM_001354901.2, NM_001407453.1); and 11 more; short protein forms K623Q, K673Q, K696Q, K714Q, K431Q, K585Q, K631Q, K707Q.
Identifiers: ClinVar variation 2697851 (VCV002697851.3), dbSNP rs1554083965, ClinGen allele CA16026009.

ClinVar aggregate classification (germline): Uncertain significance (1 of 4 stars; one submission).

Conditions:
Familial adenomatous polyposis 1 (FAP1). Also called: FAMILIAL ADENOMATOUS POLYPOSIS 1, ATTENUATED; POLYPOSIS, ADENOMATOUS INTESTINAL. Identifiers: MedGen C2713442, MONDO:0021056, OMIM 175100. Disease mechanism: loss of function.

Submission:

Labcorp Genetics (formerly Invitae), Labcorp
Classification: Uncertain significance for Familial adenomatous polyposis 1. Last evaluated: 2023-11-21. Review status: criteria provided, single submitter. Criteria: Invitae Variant Classification Sherloc (09022015). Collection method: clinical testing. Allele origin: germline.
Comment: This sequence change replaces lysine, which is basic and polar, with glutamine, which is neutral and polar, at codon 714 of the APC protein (p.Lys714Gln). This variant is not present in population databases (gnomAD no frequency). This variant has not been reported in the literature in individuals affected with APC-related conditions. Advanced modeling of protein sequence and biophysical properties (such as structural, functional, and spatial information, amino acid conservation, physicochemical variation, residue mobility, and thermodynamic stability) performed at Invitae indicates that this missense variant is not expected to disrupt APC protein function with a negative predictive value of 95%. In summary, the available evidence is currently insufficient to determine the role of this variant in disease. Therefore, it has been classified as a Variant of Uncertain Significance.